The following is an entry in ClinVar:

NM_014159.7(SETD2):c.6119G>C (p.Arg2040Pro)

Gene: SETD2 (SET domain containing 2, histone lysine methyltransferase; minus strand). Cytogenetic location: 3p21.31.
Variant type: single nucleotide variant.
Coding change: c.6119G>C on transcript NM_014159.7 (MANE Select); coding-DNA position 6119, G replaced by C.
Protein change: p.Arg2040Pro; replaces arginine 2040 with proline.
Molecular consequence: missense variant. On other transcripts: non-coding transcript variant (1).
Genome position (GRCh38, 1-based): chr3:47,062,337, C>G on the plus strand (G>C on the coding strand, the complement: SETD2 is on the minus strand). VCF-style: chr3-47062337-C-G. GRCh37 (hg19) VCF-style: chr3-47103827-C-G.
Other names: c.5987G>C, p.Arg1996Pro (NM_001349370.3); short protein forms R2040P, R1996P.
Identifiers: ClinVar variation 542230 (VCV000542230.5), dbSNP rs1244929991, ClinGen allele CA352525277.
Genomic context (GRCh38, chr3:47,062,337, plus strand): 5'-GACCTATTAGGAGTCTTCGGGGCAGGTGTTTGATCTCTGAAGCCAACAGCATCCCTTCCT[C>G]GTTCAGTTGCTAAGGGAAAAGGGTGGTTTGTTTGTTTTTTTTTTTTTTAAGTTTATTTGG-3'
Protein context (NP_054878.5, residues 2030-2050): QTEKENTTTE[Arg2040Pro]GRDAVGFRDQ

ClinVar aggregate classification (germline): Uncertain significance (1 of 4 stars; one submission).

Conditions:
Luscan-Lumish syndrome. Identifiers: Orphanet 597738, MedGen C4085873, MONDO:0014791, OMIM 616831.

Allele frequency attached by ClinVar (database versions not stated): TOPMed below 0.00001.
gnomAD v4.1: 2 of 1,591,502 alleles (0.00013%); highest among the groups gnomAD compares: Admixed American, 0.0035%; no homozygotes.

Submission:

Labcorp Genetics (formerly Invitae), Labcorp
Classification: Uncertain significance for Luscan-Lumish syndrome. Last evaluated: 2025-09-04. Review status: criteria provided, single submitter. Criteria: Invitae Variant Classification Sherloc (09022015). Collection method: clinical testing. Allele origin: germline.
Comment: This sequence change replaces arginine, which is basic and polar, with proline, which is neutral and non-polar, at codon 2040 of the SETD2 protein (p.Arg2040Pro). This variant is present in population databases (no rsID available, gnomAD 0.007%). This variant has not been reported in the literature in individuals affected with SETD2-related conditions. ClinVar contains an entry for this variant (Variation ID: 542230). Invitae Evidence Modeling of protein sequence and biophysical properties (such as structural, functional, and spatial information, amino acid conservation, physicochemical variation, residue mobility, and thermodynamic stability) indicates that this missense variant is expected to disrupt SETD2 protein function with a positive predictive value of 80%. In summary, the available evidence is currently insufficient to determine the role of this variant in disease. Therefore, it has been classified as a Variant of Uncertain Significance.